The following is an entry in ClinVar:

ClinVar aggregate classification (germline): Benign. Review status: criteria provided, multiple submitters, no conflicts (2 of 4 stars). 2 submissions from 2 submitters: Benign (2). Last evaluated 2018-01-12.

Conditions:
Hyaline fibromatosis syndrome (HFS). Also called: Hyalinosis, Inherited Systemic; HYALINOSIS, SYSTEMIC. Identifiers: Orphanet 2028, Orphanet 498474, MedGen C5574677, MONDO:0009229, OMIM 228600.

Allele frequency attached by ClinVar (database versions not stated): TOPMed 0.12908; 1000 Genomes Project 30x 0.26655; 1000 Genomes Project 0.27955.
gnomAD v4.1: 41,854 of 308,964 alleles (14%); highest among the groups gnomAD compares: East Asian, 72%; 6,093 homozygotes.

Submissions (2):

Illumina Laboratory Services, Illumina
Classification: Benign for Hyaline fibromatosis syndrome. Last evaluated: 2018-01-12. Review status: criteria provided, single submitter. Criteria: ICSL Variant Classification Criteria 13 December 2019. Collection method: clinical testing. Allele origin: germline.
Comment: This variant was observed in the ICSL laboratory as part of a predisposition screen in an ostensibly healthy population. It had not been previously curated by ICSL or reported in the Human Gene Mutation Database (HGMD: prior to June 1st, 2018), and was therefore a candidate for classification through an automated scoring system. Utilizing variant allele frequency, disease prevalence and penetrance estimates, and inheritance mode, an automated score was calculated to assess if this variant is too frequent to cause the disease. Based on the score and internal cut-off values, a variant classified as benign is not then subjected to further curation. The score for this variant resulted in a classification of benign for this disease.

Breakthrough Genomics
Classification: Benign. Review status: criteria provided, single submitter. Criteria: ACMG Guidelines, 2015. Collection method: not provided. Allele origin: germline. Inheritance: Autosomal recessive inheritance. Affected: yes.

NM_058172.6(ANTXR2):c.*336C>T

Gene: ANTXR2 (ANTXR cell adhesion molecule 2; minus strand). Cytogenetic location: 4q21.21.
Variant type: single nucleotide variant.
Coding change: c.*336C>T on transcript NM_058172.6 (MANE Select); 336 bases downstream of the stop codon, C replaced by T.
Molecular consequence: 3 prime UTR variant.
Genome position (GRCh38, 1-based): chr4:79,907,093, G>A on the plus strand (C>T on the coding strand, the complement: ANTXR2 is on the minus strand). VCF-style: chr4-79907093-G-A. GRCh37 (hg19) VCF-style: chr4-80828247-G-A.
Other names: c.*336C>T (NM_001286780.2, NM_001286781.2).
Identifiers: ClinVar variation 904745 (VCV000904745.5), dbSNP rs4690108, ClinGen allele CA15314199.
Genomic context (GRCh38, chr4:79,907,093, plus strand): 5'-AAAACTCCTGTCTCCCATCATGGCTAGTTGTTTTGTGGTCCTTGTTTTGGTATCATCTTC[G>A]TGTTGTTGCTGTTGTTGCTTTTTCCTCTTCTACACATTCAAACAAACTTTCTTGTACAAA-3'